The following is an entry in ClinVar:

ClinVar aggregate classification (germline): Pathogenic/Likely pathogenic. Review status: criteria provided, multiple submitters, no conflicts (2 of 4 stars). 2 submissions from 2 submitters: Pathogenic (1); Likely pathogenic (1). Last evaluated 2026-08-06.

Conditions:
Vitelliform macular dystrophy 4. Identifiers: Orphanet 99000, MedGen C4015342, MONDO:0014508, OMIM 616151.

Submissions (2):

OLLIN Analises Genomicas, OLLIN
Classification: Likely pathogenic for Vitelliform macular dystrophy 4. Last evaluated: 2026-08-06. Review status: criteria provided, single submitter. Criteria: ACMG Guidelines 2015 PMID 25741868. Collection method: clinical testing. Allele origin: germline. Inheritance: Autosomal dominant inheritance.
Comment: This frameshift variant, located in exon 6 (of 17), has been reported in ClinVar (accession VCV001955146.5) and in gnomAD with an allele frequency of 0.00044%. However, to our knowledge, it has not been reported in the scientific literature. This variant causes a frameshift and introduces a premature stop codon, which is predicted to result in either a truncated protein or degradation of the mRNA via nonsense-mediated decay (NMD). According to the currently available evidence, this variant has been classified as likely pathogenic (PVS1, PM2_P).

Labcorp Genetics (formerly Invitae), Labcorp
Classification: Pathogenic. Last evaluated: 2025-12-16. Review status: criteria provided, single submitter. Criteria: Invitae Variant Classification Sherloc (09022015). Collection method: clinical testing. Allele origin: germline.
Comment: This sequence change creates a premature translational stop signal (p.Asn215Thrfs*40) in the IMPG1 gene. It is expected to result in an absent or disrupted protein product. Loss-of-function variants in IMPG1 are known to be pathogenic (PMID: 23993198). This variant is present in population databases (rs767400155, gnomAD 0.002%). This variant has not been reported in the literature in individuals affected with IMPG1-related conditions. ClinVar contains an entry for this variant (Variation ID: 1955146). For these reasons, this variant has been classified as Pathogenic.

Literature cited by the submitters: PubMed 23993198 (cited by Labcorp Genetics (formerly Invitae), Labcorp).

NM_001563.4(IMPG1):c.640_643dup (p.Asn215fs)

Gene: IMPG1 (interphotoreceptor matrix proteoglycan 1; minus strand). Cytogenetic location: 6q14.1.
Variant type: Duplication.
Coding change: c.640_643dup on transcript NM_001563.4 (MANE Select); coding-DNA positions 640 to 643, 4 bases duplicated (CTCA; older notation c.640_643dupCTCA).
Protein change: p.Asn215fs; shifts the reading frame from asparagine 215.
Molecular consequence: frameshift variant.
Genome position (GRCh38, 1-based): chr6:76,022,139-76,022,142, TGAG duplicated on the plus strand (CTCA on the coding strand, the reverse complement: IMPG1 is on the minus strand); duplicating any 4 consecutive bases within chr6:76,022,139-76,022,144 gives the same sequence; the c. name uses the placement nearest the transcript's 3' end. VCF-style (leftmost placement, unchanged base first): chr6-76022138-T-TTGAG. GRCh37 (hg19) VCF-style: chr6-76731855-T-TTGAG.
Other names: c.406_409dup, p.Asn137fs (NM_001282368.2); short protein forms N137fs, N215fs.
Identifiers: ClinVar variation 1955146 (VCV001955146.6), dbSNP rs767400155, ClinGen allele CA3898410.